The following is an entry in ClinVar:

ClinVar aggregate classification (germline): Uncertain significance (1 of 4 stars; one submission).

Conditions:
Sphingolipid activator protein 1 deficiency. Also called: METACHROMATIC LEUKODYSTROPHY DUE TO CEREBROSIDE SULFATASE ACTIVATOR DEFICIENCY; Metachromatic leukodystrophy due to saposin B deficiency; Saposin B Deficiency. Identifiers: Orphanet 512, MedGen C0268262, MONDO:0009590, OMIM 249900.

Allele frequency attached by ClinVar (database versions not stated): gnomAD 0.00002; TOPMed 0.00002; ExAC 0.00007; ESP Exome Variant Server 0.00008.

Submission:

Labcorp Genetics (formerly Invitae), Labcorp
Classification: Uncertain significance for Sphingolipid activator protein 1 deficiency. Last evaluated: 2022-01-28. Review status: criteria provided, single submitter. Criteria: Invitae Variant Classification Sherloc (09022015). Collection method: clinical testing. Allele origin: germline.
Comment: This sequence change replaces proline, which is neutral and non-polar, with leucine, which is neutral and non-polar, at codon 18 of the PSAP protein (p.Pro18Leu). This variant is present in population databases (rs370107124, gnomAD 0.03%). This variant has not been reported in the literature in individuals affected with PSAP-related conditions. Algorithms developed to predict the effect of missense changes on protein structure and function are either unavailable or do not agree on the potential impact of this missense change (SIFT: "Not Available"; PolyPhen-2: "Benign"; Align-GVGD: "Not Available"). In summary, the available evidence is currently insufficient to determine the role of this variant in disease. Therefore, it has been classified as a Variant of Uncertain Significance.

NM_002778.4(PSAP):c.53C>T (p.Pro18Leu)

Gene: PSAP (prosaposin; minus strand). Cytogenetic location: 10q22.1.
Variant type: single nucleotide variant.
Coding change: c.53C>T on transcript NM_002778.4 (MANE Select); coding-DNA position 53, C replaced by T.
Protein change: p.Pro18Leu; replaces proline 18 with leucine.
Molecular consequence: missense variant.
Genome position (GRCh38, 1-based): chr10:71,834,493, G>A on the plus strand (C>T on the coding strand, the complement: PSAP is on the minus strand). VCF-style: chr10-71834493-G-A. GRCh37 (hg19) VCF-style: chr10-73594250-G-A.
Other names: c.53C>T, p.Pro18Leu (NM_001042465.3, NM_001042466.3); short protein forms P18L.
Identifiers: ClinVar variation 2155289 (VCV002155289.1), dbSNP rs370107124, ClinGen allele CA5547920.